The following is an entry in ClinVar:

NM_001849.4(COL6A2):c.138C>T (p.His46=)

Gene: COL6A2 (collagen type VI alpha 2 chain; plus strand). Cytogenetic location: 21q22.3.
Variant type: single nucleotide variant.
Coding change: c.138C>T on transcript NM_001849.4 (MANE Select); coding-DNA position 138, C replaced by T.
Protein change: p.His46=; no amino-acid change (histidine 46 retained).
Molecular consequence: synonymous variant.
Genome position (GRCh38, 1-based): chr21:46,112,001, C>T. VCF-style: chr21-46112001-C-T. GRCh37 (hg19) VCF-style: chr21-47531915-C-T.
Other names: c.138C>T, p.His46= (NM_058174.3, NM_058175.3).
Identifiers: ClinVar variation 282298 (VCV000282298.22), dbSNP rs201753549, ClinGen allele CA10071218.

ClinVar aggregate classification (germline): Benign/Likely benign. Review status: criteria provided, multiple submitters, no conflicts (2 of 4 stars). 6 submissions from 6 submitters: Benign (2); Likely benign (3). 1 of the submissions does not count toward it. Last evaluated 2026-01-15.

Conditions:
COL6A2-related disorder.
Collagen 6-related myopathy. Identifiers: MedGen CN117976, MONDO:0100225.
Bethlem myopathy 1A. Also called: Bethlem myopathy 1; Bethlem Muscular Dystrophy; MYOPATHY, BENIGN CONGENITAL, WITH CONTRACTURES. Identifiers: Orphanet 610, MedGen CN029274, MONDO:0024530, OMIM 158810.

Allele frequency attached by ClinVar (database versions not stated): ESP Exome Variant Server 0.00008; gnomAD 0.00009 and 0.00015; gnomAD exomes 0.00009 and 0.00038; TOPMed 0.00015; ExAC 0.00037; 1000 Genomes Project 30x 0.00125; 1000 Genomes Project 0.00140.
gnomAD v4.1: 166 of 1,612,496 alleles (0.01%); highest among the groups gnomAD compares: East Asian, 0.25%; 1 homozygote.

Submissions (6):

Labcorp Genetics (formerly Invitae), Labcorp
Classification: Benign for Bethlem myopathy 1A. Last evaluated: 2026-01-15. Review status: criteria provided, single submitter. Criteria: Invitae Variant Classification Sherloc (09022015). Collection method: clinical testing. Allele origin: germline.

Blueprint Genetics
Classification: Likely benign. Last evaluated: 2024-10-21. Review status: criteria provided, single submitter. Criteria: ACMG Guidelines, 2015. Collection method: clinical testing. Allele origin: germline.

Illumina Laboratory Services, Illumina
Classification: Benign for Collagen VI-related myopathy. Last evaluated: 2018-01-12. Review status: criteria provided, single submitter. Criteria: ICSL Variant Classification Criteria 13 December 2019. Collection method: clinical testing. Allele origin: germline.
Comment: This variant was observed in the ICSL laboratory as part of a predisposition screen in an ostensibly healthy population. It had not been previously curated by ICSL or reported in the Human Gene Mutation Database (HGMD: prior to June 1st, 2018), and was therefore a candidate for classification through an automated scoring system. Utilizing variant allele frequency, disease prevalence and penetrance estimates, and inheritance mode, an automated score was calculated to assess if this variant is too frequent to cause the disease. Based on the score and internal cut-off values, a variant classified as benign is not then subjected to further curation. The score for this variant resulted in a classification of benign for this disease.

GeneDx
Classification: Likely benign. Last evaluated: 2016-10-14. Review status: criteria provided, single submitter. Criteria: GeneDx Variant Classification (06012015). Collection method: clinical testing. Allele origin: germline. Affected: yes.
Comment: This variant is considered likely benign or benign based on one or more of the following criteria: it is a conservative change, it occurs at a poorly conserved position in the protein, it is predicted to be benign by multiple in silico algorithms, and/or has population frequency not consistent with disease.

Eurofins Ntd Llc (ga)
Classification: Likely benign. Last evaluated: 2016-09-20. Review status: criteria provided, single submitter. Criteria: EGL Classification Definitions 2015. Collection method: clinical testing. Allele origin: germline. Observed: 2 variant alleles, 2 heterozygotes.

PreventionGenetics, part of Exact Sciences
Classification: Likely benign for COL6A2-related condition. Last evaluated: 2024-05-14. Review status: no assertion criteria provided. Collection method: clinical testing. Allele origin: germline. Not counted in ClinVar's aggregate classification.
Comment: This variant is classified as likely benign based on ACMG/AMP sequence variant interpretation guidelines (Richards et al. 2015 PMID: 25741868, with internal and published modifications).